The following is an entry in ClinVar:

ClinVar aggregate classification (germline): Uncertain significance (1 of 4 stars; one submission).

Allele frequency attached by ClinVar (database versions not stated): gnomAD exomes 0.00002; ExAC 0.00006; gnomAD 0.00025; TOPMed 0.00027; ESP Exome Variant Server 0.00042; 1000 Genomes Project 0.00060; 1000 Genomes Project 30x 0.00062.
gnomAD v4.1: 70 of 1,612,524 alleles (0.0043%); highest among the groups gnomAD compares: African/African-American, 0.085%; no homozygotes.

Submission:

Labcorp Genetics (formerly Invitae), Labcorp
Classification: Uncertain significance. Last evaluated: 2025-07-21. Review status: criteria provided, single submitter. Criteria: Invitae Variant Classification Sherloc (09022015). Collection method: clinical testing. Allele origin: germline.
Comment: This sequence change replaces isoleucine, which is neutral and non-polar, with phenylalanine, which is neutral and non-polar, at codon 754 of the DIAPH3 protein (p.Ile754Phe). This variant is present in population databases (rs367922833, gnomAD 0.05%). This variant has not been reported in the literature in individuals affected with DIAPH3-related conditions. ClinVar contains an entry for this variant (Variation ID: 2184000). An algorithm developed to predict the effect of missense changes on protein structure and function (PolyPhen-2) suggests that this variant is likely to be disruptive. In summary, the available evidence is currently insufficient to determine the role of this variant in disease. Therefore, it has been classified as a Variant of Uncertain Significance.

NM_001042517.2(DIAPH3):c.2260A>T (p.Ile754Phe)

Gene: DIAPH3 (diaphanous related formin 3; minus strand). Cytogenetic location: 13q21.2.
Variant type: single nucleotide variant.
Coding change: c.2260A>T on transcript NM_001042517.2 (MANE Select); coding-DNA position 2260, A replaced by T.
Protein change: p.Ile754Phe; replaces isoleucine 754 with phenylalanine.
Molecular consequence: missense variant.
Genome position (GRCh38, 1-based): chr13:59,916,160, T>A on the plus strand (A>T on the coding strand, the complement: DIAPH3 is on the minus strand). VCF-style: chr13-59916160-T-A. GRCh37 (hg19) VCF-style: chr13-60490294-T-A.
Other names: c.2227A>T, p.Ile743Phe (NM_001258366.2); c.2122A>T, p.Ile708Phe (NM_001258367.2); c.2050A>T, p.Ile684Phe (NM_001258368.2); c.2260A>T, p.Ile754Phe (NM_001258369.2); c.1471A>T, p.Ile491Phe (NM_001258370.2, NM_030932.4); short protein forms I491F, I708F, I754F, I684F, I743F.
Identifiers: ClinVar variation 2184000 (VCV002184000.4), dbSNP rs367922833, ClinGen allele CA6996434.